The following is an entry in ClinVar:

NM_032242.4(PLXNA1):c.3660+4C>T

Gene: PLXNA1 (plexin A1; plus strand). Cytogenetic location: 3q21.3.
Variant type: single nucleotide variant.
Coding change: c.3660+4C>T on transcript NM_032242.4 (MANE Select); 4 bases into the intron after coding-DNA position 3660, C replaced by T.
Molecular consequence: intron variant.
Genome position (GRCh38, 1-based): chr3:127,017,896, C>T. VCF-style: chr3-127017896-C-T. GRCh37 (hg19) VCF-style: chr3-126736739-C-T.
Identifiers: ClinVar variation 4990787 (VCV004990787.1).

ClinVar aggregate classification (germline): Uncertain significance (1 of 4 stars; one submission).

Conditions:
PLXNA1-related disorder. Also called: PLXNA1-related condition.

gnomAD v4.1: 23 of 1,611,750 alleles (0.0014%); highest among the groups gnomAD compares: East Asian, 0.013%; no homozygotes.

Submission:

PreventionGenetics, part of Exact Sciences
Classification: Uncertain significance for PLXNA1-related condition. Last evaluated: 2026-08-14. Review status: criteria provided, single submitter. Criteria: ACMG Guidelines, 2015. Collection method: clinical testing. Allele origin: germline.
Comment: The PLXNA1 c.3660+4C>T variant is predicted to interfere with splicing. To our knowledge, this variant has not been reported in the literature. This variant is reported in 0.025% of alleles in individuals of East Asian descent in gnomAD. At this time, the clinical significance of this variant is uncertain due to the absence of conclusive functional and genetic evidence.